The following is an entry in ClinVar:

NM_020774.4(MIB1):c.127G>T (p.Glu43Ter)

Gene: MIB1 (MIB E3 ubiquitin protein ligase 1; plus strand). Cytogenetic location: 18q11.2.
Variant type: single nucleotide variant.
Coding change: c.127G>T on transcript NM_020774.4 (MANE Select); coding-DNA position 127, G replaced by T.
Protein change: p.Glu43Ter; replaces glutamic acid 43 with a stop codon.
Molecular consequence: nonsense.
Genome position (GRCh38, 1-based): chr18:21,741,710, G>T. VCF-style: chr18-21741710-G-T. GRCh37 (hg19) VCF-style: chr18-19321671-G-T.
Other names: short protein forms E43*.
Identifiers: ClinVar variation 392832 (VCV000392832.2), dbSNP rs777854951, ClinGen allele CA8907924.

ClinVar aggregate classification (germline): Uncertain significance (1 of 4 stars; one submission).

Allele frequency attached by ClinVar (database versions not stated): gnomAD exomes below 0.00001; TOPMed below 0.00001; ExAC 0.00001; gnomAD 0.00001.
gnomAD v4.1: 5 of 1,611,432 alleles (0.00031%); highest among the groups gnomAD compares: African/African-American, 0.0013%; no homozygotes.

Submission:

GeneDx
Classification: Uncertain significance. Last evaluated: 2024-11-25. Review status: criteria provided, single submitter. Criteria: GeneDx Variant Classification Process June 2021. Collection method: clinical testing. Allele origin: germline. Affected: yes.
Comment: Not observed at significant frequency in large population cohorts (gnomAD); Nonsense variant predicted to result in protein truncation or nonsense mediated decay in a gene or region of a gene for which loss of function is not a well-established mechanism of disease; Has not been previously published as pathogenic or benign to our knowledge